The following is an entry in ClinVar:

ClinVar aggregate classification (germline): Uncertain significance. Review status: criteria provided, multiple submitters, no conflicts (2 of 4 stars). 2 submissions from 2 submitters: Uncertain significance (2). Last evaluated 2022-03-24.

Conditions:
Hereditary cancer-predisposing syndrome. Also called: Neoplastic Syndromes, Hereditary; Hereditary Cancer Syndrome; Tumor predisposition; Hereditary neoplastic syndrome. Identifiers: Orphanet 140162, MedGen C0027672, MeSH D009386, MONDO:0015356.
Familial thoracic aortic aneurysm and aortic dissection (TAAD). Also called: Thoracic aortic aneurysms and dissections. Identifiers: Orphanet 91387, MedGen C4707243, MONDO:0019625.
Juvenile polyposis syndrome (JPS). Identifiers: Orphanet 2929, MedGen C0345893, MONDO:0017380, OMIM 174900.

Submissions (2):

Ambry Genetics
Classification: Uncertain significance for Hereditary cancer-predisposing syndrome; Familial thoracic aortic aneurysm and aortic dissection. Last evaluated: 2022-03-24. Review status: criteria provided, single submitter. Criteria: Ambry Variant Classification Scheme 2023. Collection method: clinical testing. Allele origin: germline.
Comment: The p.N279K variant (also known as c.837T>G), located in coding exon 6 of the SMAD4 gene, results from a T to G substitution at nucleotide position 837. The asparagine at codon 279 is replaced by lysine, an amino acid with similar properties. This amino acid position is conserved. In addition, this alteration is predicted to be tolerated by in silico analysis. Since supporting evidence is limited at this time, the clinical significance of this alteration remains unclear.

Labcorp Genetics (formerly Invitae), Labcorp
Classification: Uncertain significance for Juvenile polyposis syndrome. Last evaluated: 2021-02-06. Review status: criteria provided, single submitter. Criteria: Invitae Variant Classification Sherloc (09022015). Collection method: clinical testing. Allele origin: germline.
Comment: In summary, the available evidence is currently insufficient to determine the role of this variant in disease. Therefore, it has been classified as a Variant of Uncertain Significance. Advanced modeling of protein sequence and biophysical properties (such as structural, functional, and spatial information, amino acid conservation, physicochemical variation, residue mobility, and thermodynamic stability) performed at Invitae indicates that this missense variant is not expected to disrupt SMAD4 protein function. This variant has not been reported in the literature in individuals with SMAD4-related conditions. This variant is not present in population databases (ExAC no frequency). This sequence change replaces asparagine with lysine at codon 279 of the SMAD4 protein (p.Asn279Lys). The asparagine residue is moderately conserved and there is a moderate physicochemical difference between asparagine and lysine.

NM_005359.6(SMAD4):c.837T>G (p.Asn279Lys)

Gene: SMAD4 (SMAD family member 4; plus strand). Cytogenetic location: 18q21.2.
Variant type: single nucleotide variant.
Coding change: c.837T>G on transcript NM_005359.6 (MANE Select); coding-DNA position 837, T replaced by G.
Protein change: p.Asn279Lys; replaces asparagine 279 with lysine.
Molecular consequence: missense variant.
Genome position (GRCh38, 1-based): chr18:51,058,389, T>G. VCF-style: chr18-51058389-T-G. GRCh37 (hg19) VCF-style: chr18-48584759-T-G.
Other names: short protein forms N279K.
Identifiers: ClinVar variation 1463974 (VCV001463974.10), dbSNP rs1555685961, ClinGen allele CA402463453.
Genomic context (GRCh38, chr18:51,058,389, plus strand): 5'-TTAATTTTTAGACAGCACTACCACCTGGACTGGAAGTAGGACTGCACCATACACACCTAA[T>G]TTGCCTCACCACCAAAACGGCCATCTTCAGCACCACCCGCCTATGCCGCCCCATCCCGGA-3'
Protein context (NP_005350.1, residues 269-289): TGSRTAPYTP[Asn279Lys]LPHHQNGHLQ